The following is an entry in ClinVar:

ClinVar aggregate classification (germline): Likely pathogenic (1 of 4 stars; one submission).

Conditions:
Congenital adrenal hyperplasia due to cytochrome P450 oxidoreductase deficiency. Also called: DISORDERED STEROIDOGENESIS DUE TO POR DEFICIENCY. Identifiers: Orphanet 95699, MedGen C1860042, MONDO:0013310, OMIM 613571.

Submission:

Labcorp Genetics (formerly Invitae), Labcorp
Classification: Likely pathogenic for Congenital adrenal hyperplasia due to cytochrome P450 oxidoreductase deficiency. Last evaluated: 2024-01-11. Review status: criteria provided, single submitter. Criteria: Invitae Variant Classification Sherloc (09022015). Collection method: clinical testing. Allele origin: germline.
Comment: This sequence change affects a splice site in intron 8 of the POR gene. It is expected to disrupt RNA splicing. Variants that disrupt the donor or acceptor splice site typically lead to a loss of protein function (PMID: 16199547), and loss-of-function variants in POR are known to be pathogenic (PMID: 14758361, 20732302, 21741353). This variant is not present in population databases (gnomAD no frequency). This variant has not been reported in the literature in individuals affected with POR-related conditions. Algorithms developed to predict the effect of sequence changes on RNA splicing suggest that this variant may disrupt the consensus splice site. In summary, the currently available evidence indicates that the variant is pathogenic, but additional data are needed to prove that conclusively. Therefore, this variant has been classified as Likely Pathogenic.

Literature cited by the submitters: PubMed 16199547; PubMed 14758361; PubMed 20732302; PubMed 21741353.

NM_001395413.1(POR):c.821+2_821+3del

Gene: POR (cytochrome p450 oxidoreductase; plus strand). Cytogenetic location: 7q11.23.
Variant type: Deletion.
Coding change: c.821+2_821+3del on transcript NM_001395413.1 (MANE Select); the canonical splice donor site of the intron after coding-DNA position 821 through 3 bases into the intron after coding-DNA position 821, 2 bases deleted (TG; older notation c.821+2_821+3delTG).
Molecular consequence: splice donor variant.
Genome position (GRCh38, 1-based): chr7:75,982,324-75,982,325, TG deleted; deleting any 2 consecutive bases within chr7:75,982,323-75,982,325 gives the same sequence; the c. name uses the placement nearest the transcript's 3' end. VCF-style (leftmost placement, unchanged base first): chr7-75982322-CGT-C. GRCh37 (hg19) VCF-style: chr7-75611640-CGT-C.
Other names: c.821+2_821+3del (NM_001382662.3, NM_001382659.3, NM_001367562.3 and 2 more transcripts); c.875+2_875+3del (NM_001382655.3).
Identifiers: ClinVar variation 3008379 (VCV003008379.3), dbSNP rs2535387288, ClinGen allele CA2740097374.